The following is an entry in ClinVar:

NM_015164.4(PLEKHM2):c.542G>T (p.Arg181Leu)

Gene: PLEKHM2 (pleckstrin homology and RUN domain containing M2; plus strand). Cytogenetic location: 1p36.21.
Variant type: single nucleotide variant.
Coding change: c.542G>T on transcript NM_015164.4 (MANE Select); coding-DNA position 542, G replaced by T.
Protein change: p.Arg181Leu; replaces arginine 181 with leucine.
Molecular consequence: missense variant.
Genome position (GRCh38, 1-based): chr1:15,719,810, G>T. VCF-style: chr1-15719810-G-T. GRCh37 (hg19) VCF-style: chr1-16046305-G-T.
Other names: c.542G>T, p.Arg181Leu (NM_001410755.1); short protein forms R181L.
Identifiers: ClinVar variation 3722642 (VCV003722642.2).

ClinVar aggregate classification (germline): Uncertain significance (1 of 4 stars; one submission).

Submission:

Labcorp Genetics (formerly Invitae), Labcorp
Classification: Uncertain significance. Last evaluated: 2024-10-10. Review status: criteria provided, single submitter. Criteria: Invitae Variant Classification Sherloc (09022015). Collection method: clinical testing. Allele origin: germline.
Comment: This sequence change replaces arginine, which is basic and polar, with leucine, which is neutral and non-polar, at codon 181 of the PLEKHM2 protein (p.Arg181Leu). This variant is not present in population databases (gnomAD no frequency). This variant has not been reported in the literature in individuals affected with PLEKHM2-related conditions. An algorithm developed to predict the effect of missense changes on protein structure and function (PolyPhen-2) suggests that this variant is likely to be tolerated. In summary, the available evidence is currently insufficient to determine the role of this variant in disease. Therefore, it has been classified as a Variant of Uncertain Significance.